The following is an entry in ClinVar:

ClinVar aggregate classification (germline): Uncertain significance (1 of 4 stars; one submission).

Conditions:
Fanconi anemia (FA). Also called: Fanconi's anemia. Identifiers: Orphanet 84, MedGen C0015625, MeSH D005199, MONDO:0019391.

Allele frequency attached by ClinVar (database versions not stated): gnomAD exomes 0.00001 and 0.00002; gnomAD 0.00008 and 0.00011; TOPMed 0.00009.
gnomAD v4.1: 31 of 1,613,786 alleles (0.0019%); highest among the groups gnomAD compares: African/African-American, 0.029%; no homozygotes.

Submission:

Labcorp Genetics (formerly Invitae), Labcorp
Classification: Uncertain significance for Fanconi anemia. Last evaluated: 2023-11-27. Review status: criteria provided, single submitter. Criteria: Invitae Variant Classification Sherloc (09022015). Collection method: clinical testing. Allele origin: germline.
Comment: This sequence change replaces histidine, which is basic and polar, with arginine, which is basic and polar, at codon 922 of the FANCD2 protein (p.His922Arg). This variant is present in population databases (no rsID available, gnomAD 0.02%). This variant has not been reported in the literature in individuals affected with FANCD2-related conditions. ClinVar contains an entry for this variant (Variation ID: 950623). Advanced modeling of protein sequence and biophysical properties (such as structural, functional, and spatial information, amino acid conservation, physicochemical variation, residue mobility, and thermodynamic stability) performed at Invitae indicates that this missense variant is not expected to disrupt FANCD2 protein function with a negative predictive value of 80%. In summary, the available evidence is currently insufficient to determine the role of this variant in disease. Therefore, it has been classified as a Variant of Uncertain Significance.

NM_001018115.3(FANCD2):c.2765A>G (p.His922Arg)

Genes: FANCD2 (FA complementation group D2; plus strand), LOC107303338 (3p25 FANCD2 Alu-mediated recombination region; plus strand). Cytogenetic location: 3p25.3.
Variant type: single nucleotide variant.
Coding change: c.2765A>G on transcript NM_001018115.3 (MANE Select); coding-DNA position 2765, A replaced by G.
Protein change: p.His922Arg; replaces histidine 922 with arginine.
Molecular consequence: missense variant.
Genome position (GRCh38, 1-based): chr3:10,074,579, A>G. VCF-style: chr3-10074579-A-G. GRCh37 (hg19) VCF-style: chr3-10116263-A-G.
Other names: c.2765A>G, p.His922Arg (NM_001319984.2, NM_001374254.1, NM_033084.6); c.2654A>G, p.His885Arg (NM_001374253.1); short protein forms H885R, H922R.
Identifiers: ClinVar variation 950623 (VCV000950623.7), dbSNP rs1039845680, ClinGen allele CA70019784.